The following is an entry in ClinVar:

ClinVar aggregate classification (germline): Benign/Likely benign. Review status: criteria provided, multiple submitters, no conflicts (2 of 4 stars). 4 submissions from 4 submitters: Benign (2); Likely benign (1). 1 of the submissions does not count toward it. Last evaluated 2026-02-01.

Conditions:
IL6ST-related disorder. Also called: IL6ST-related condition.

Allele frequency attached by ClinVar (database versions not stated): gnomAD 0.00726 and 0.00816; 1000 Genomes Project 30x 0.00765; ESP Exome Variant Server 0.00800; 1000 Genomes Project 0.00839; gnomAD exomes 0.01166 and 0.01228; ExAC 0.01311.
gnomAD v4.1: 18,879 of 1,586,984 alleles (1.2%); highest among the groups gnomAD compares: South Asian, 3.4%; 200 homozygotes.

Submissions (4):

Labcorp Genetics (formerly Invitae), Labcorp
Classification: Benign. Last evaluated: 2026-02-01. Review status: criteria provided, single submitter. Criteria: Invitae Variant Classification Sherloc (09022015). Collection method: clinical testing. Allele origin: germline.

Women's Health and Genetics/Laboratory Corporation of America, LabCorp
Classification: Likely benign. Last evaluated: 2026-01-23. Review status: criteria provided, single submitter. Criteria: LabCorp Variant Classification Summary - May 2015. Collection method: clinical testing. Allele origin: germline.

Breakthrough Genomics
Classification: Benign. Review status: criteria provided, single submitter. Criteria: ACMG Guidelines, 2015. Collection method: not provided. Allele origin: germline. Inheritance: Autosomal recessive inheritance. Affected: yes.

PreventionGenetics, part of Exact Sciences
Classification: Benign for IL6ST-related condition. Last evaluated: 2019-11-06. Review status: no assertion criteria provided. Collection method: clinical testing. Allele origin: germline. Not counted in ClinVar's aggregate classification.
Comment: This variant is classified as benign based on ACMG/AMP sequence variant interpretation guidelines (Richards et al. 2015 PMID: 25741868, with internal and published modifications).

NM_002184.4(IL6ST):c.22C>G (p.Leu8Val)

Gene: IL6ST (interleukin 6 cytokine family signal transducer; minus strand). Cytogenetic location: 5q11.2.
Variant type: single nucleotide variant.
Coding change: c.22C>G on transcript NM_002184.4 (MANE Select); coding-DNA position 22, C replaced by G.
Protein change: p.Leu8Val; replaces leucine 8 with valine.
Molecular consequence: missense variant. On other transcripts: 5 prime UTR variant (3), non-coding transcript variant (2).
Genome position (GRCh38, 1-based): chr5:55,976,257, G>C on the plus strand (C>G on the coding strand, the complement: IL6ST is on the minus strand). VCF-style: chr5-55976257-G-C. GRCh37 (hg19) VCF-style: chr5-55272085-G-C.
Other names: c.22C>G, p.Leu8Val (NM_001190981.2, NM_001364275.2, NM_001364276.2 and 1 more transcripts); c.-771C>G (NM_001364277.2, NM_001364279.2); c.-761C>G (NM_001364278.2); c.22C>G (NM_002184.3); short protein forms L8V.
Identifiers: ClinVar variation 1170704 (VCV001170704.13), dbSNP rs1063560, ClinGen allele CA3271792.
Genomic context (GRCh38, chr5:55,976,257, plus strand): 5'-GTATTTCATGAACCTTACCTGTAGATTCAGTGGTGAGGAAAATAAACAAGGCTTGCACTA[G>C]CCAAGTCTGCAACGTCAACATCTTGCGCGGATATTTCTGCAACAGACACATGTAATATTA-3'
Protein context (NP_002175.2, residues 1-18): MLTLQTW[Leu8Val]VQALFIFLTT